The following is an entry in ClinVar:

NM_001458.5(FLNC):c.2641+2T>G

Gene: FLNC (filamin C; plus strand). Cytogenetic location: 7q32.1.
Variant type: single nucleotide variant.
Coding change: c.2641+2T>G on transcript NM_001458.5 (MANE Select); the canonical splice donor site of the intron after coding-DNA position 2641, T replaced by G.
Molecular consequence: splice donor variant.
Genome position (GRCh38, 1-based): chr7:128,843,321, T>G. VCF-style: chr7-128843321-T-G. GRCh37 (hg19) VCF-style: chr7-128483375-T-G.
Other names: c.2641+2T>G (NM_001127487.2).
Identifiers: ClinVar variation 3756955 (VCV003756955.2).
Genomic context (GRCh38, chr7:128,843,321, plus strand): 5'-GGACCCATCCCACGATGCCAGCAAAGTCAAGGCCGAGGGCCCTGGGCTGAATCGCACAGG[T>G]GAGTGTCTGGGCAGGGGCTGGGACTGGCTCGAGGTTGGGGTTAGGTGGCTGCCAGGCCCT-3'

ClinVar aggregate classification (germline): Likely pathogenic (1 of 4 stars; one submission).

Conditions:
Distal myopathy with posterior leg and anterior hand involvement. Also called: WILLIAMS DISTAL MYOPATHY. Identifiers: Orphanet 63273, MedGen C3279722, MONDO:0013550, OMIM 614065.
Hypertrophic cardiomyopathy 26. Also called: Cardiomyopathy, familial hypertrophic, 26. Identifiers: Orphanet 75249, MedGen C4310749, MONDO:0014883, OMIM 617047.
Myofibrillar myopathy 5. Also called: Filaminopathy (type); FILAMINOPATHY, AUTOSOMAL DOMINANT. Identifiers: Orphanet 171445, MedGen C1836050, MONDO:0012289, OMIM 609524.

Submission:

Labcorp Genetics (formerly Invitae), Labcorp
Classification: Likely pathogenic for Distal myopathy with posterior leg and anterior hand involvement; Myofibrillar myopathy 5; Hypertrophic cardiomyopathy 26. Last evaluated: 2024-09-08. Review status: criteria provided, single submitter. Criteria: Invitae Variant Classification Sherloc (09022015). Collection method: clinical testing. Allele origin: germline.
Comment: This sequence change affects a donor splice site in intron 17 of the FLNC gene. It is expected to disrupt RNA splicing. Variants that disrupt the donor or acceptor splice site typically lead to a loss of protein function (PMID: 16199547), and loss-of-function variants in FLNC are known to be pathogenic (PMID: 27908349). This variant is not present in population databases (gnomAD no frequency). This variant has not been reported in the literature in individuals affected with FLNC-related conditions. Algorithms developed to predict the effect of sequence changes on RNA splicing suggest that this variant may disrupt the consensus splice site. In summary, the currently available evidence indicates that the variant is pathogenic, but additional data are needed to prove that conclusively. Therefore, this variant has been classified as Likely Pathogenic.

Literature cited by the submitters: PubMed 16199547; PubMed 27908349.